The following is an entry in ClinVar:

NM_006269.2(RP1):c.4171del (p.Gln1391fs)

Gene: RP1 (RP1 axonemal microtubule associated; plus strand). Cytogenetic location: 8q12.1.
Variant type: Deletion.
Coding change: c.4171del on transcript NM_006269.2 (MANE Select); coding-DNA position 4171, one base deleted (C; older notation c.4171delC).
Protein change: p.Gln1391fs; shifts the reading frame from glutamine 1391.
Molecular consequence: frameshift variant. On other transcripts: intron variant (1).
Genome position (GRCh38, 1-based): chr8:54,628,053, C deleted. VCF-style (leftmost placement, unchanged base first): chr8-54628052-TC-T. GRCh37 (hg19) VCF-style: chr8-55540612-TC-T.
Other names: c.787+5765del (NM_001375654.1); short protein forms Q1391fs.
Identifiers: ClinVar variation 1065776 (VCV001065776.6), dbSNP rs2129317503, ClinGen allele CA2499219352.

ClinVar aggregate classification (germline): Pathogenic/Likely pathogenic. Review status: criteria provided, multiple submitters, no conflicts (2 of 4 stars). 2 submissions from 2 submitters: Pathogenic (1); Likely pathogenic (1). Last evaluated 2022-03-11.

Conditions:
Retinitis pigmentosa 1 (RP1). Identifiers: Orphanet 791, MedGen C0220701, MONDO:0008377, OMIM 180100.

Submissions (2):

Labcorp Genetics (formerly Invitae), Labcorp
Classification: Pathogenic. Last evaluated: 2022-03-11. Review status: criteria provided, single submitter. Criteria: Invitae Variant Classification Sherloc (09022015). Collection method: clinical testing. Allele origin: germline.
Comment: For these reasons, this variant has been classified as Pathogenic. This variant disrupts a region of the RP1 protein in which other variant(s) (p.Ile2061Serfs*12) have been determined to be pathogenic (PMID: 11527933, 19933189, 29425069, 30027431, 33681214). This suggests that this is a clinically significant region of the protein, and that variants that disrupt it are likely to be disease-causing. ClinVar contains an entry for this variant (Variation ID: 1065776). This variant is also known as c.4171delC (p.Gln1391Lysfs*7. This premature translational stop signal has been observed in individuals with autosomal recessive retinitis pigmentosa (PMID: 32565670; Invitae). This variant is not present in population databases (gnomAD no frequency). This sequence change creates a premature translational stop signal (p.Gln1391Lysfs*6) in the RP1 gene. While this is not anticipated to result in nonsense mediated decay, it is expected to disrupt the last 766 amino acid(s) of the RP1 protein.

Ocular Genomics Institute, Massachusetts Eye and Ear
Classification: Likely pathogenic for Retinitis pigmentosa 1. Last evaluated: 2021-04-08. Review status: criteria provided, single submitter. Criteria: ACMG Guidelines, 2015. Collection method: research. Allele origin: germline. Affected: yes.
Comment: Through a review of available evidence we were able to apply the following criteria: PVS1, PM2. Based on this evidence we have classified this variant as Likely pathogenic.

Literature cited by the submitters: PubMed 11527933 (cited by Labcorp Genetics (formerly Invitae), Labcorp); PubMed 19933189 (cited by Labcorp Genetics (formerly Invitae), Labcorp); PubMed 29425069 (cited by Labcorp Genetics (formerly Invitae), Labcorp); PubMed 30027431 (cited by Labcorp Genetics (formerly Invitae), Labcorp); PubMed 33681214 (cited by Labcorp Genetics (formerly Invitae), Labcorp); PubMed 32565670 (cited by Labcorp Genetics (formerly Invitae), Labcorp).